The following is an entry in ClinVar:

NM_000548.5(TSC2):c.3495del (p.Lys1165fs)

Gene: TSC2 (TSC complex subunit 2; plus strand). Cytogenetic location: 16p13.3.
Variant type: Deletion.
Coding change: c.3495del on transcript NM_000548.5 (MANE Select); coding-DNA position 3495, one base deleted (A; older notation c.3495delA).
Protein change: p.Lys1165fs; shifts the reading frame from lysine 1165.
Molecular consequence: frameshift variant. On other transcripts: non-coding transcript variant (5).
Genome position (GRCh38, 1-based): chr16:2,080,262, A deleted; the last of 3 consecutive A bases (chr16:2,080,260-2,080,262); deleting any one gives the same sequence. VCF-style (leftmost placement, unchanged base first): chr16-2080259-GA-G. GRCh37 (hg19) VCF-style: chr16-2130260-GA-G.
Other names: c.3363del, p.Lys1121fs (NM_001077183.3, NM_001370404.1, NM_001406665.1); c.3495del, p.Lys1165fs (NM_001114382.3); c.3255del, p.Lys1085fs (NM_001318827.2); c.3219del, p.Lys1073fs (NM_001318829.2); c.2763del, p.Lys921fs (NM_001318831.2, NM_001406687.1, NM_001406688.1); c.3396del, p.Lys1132fs (NM_001318832.2); c.3366del, p.Lys1122fs (NM_001363528.2, NM_001370405.1, NM_021055.3); c.3492del, p.Lys1164fs (NM_001406663.1, NM_001406664.1); and 18 more; short protein forms K1072fs, K1073fs, K1084fs, K1085fs, K1102fs, K1115fs, K1116fs, K1117fs.
Identifiers: ClinVar variation 4813492 (VCV004813492.1).

ClinVar aggregate classification (germline): Pathogenic (1 of 4 stars; one submission).

Conditions:
Tuberous sclerosis 2 (TSC2). Identifiers: Orphanet 805, MedGen C1860707, MONDO:0013199, OMIM 613254.

Submission:

MVZ Praenatalmedizin und Genetik Nuernberg
Classification: Pathogenic for Tuberous sclerosis 2. Last evaluated: 2023-04-26. Review status: criteria provided, single submitter. Criteria: ACMG Guidelines, 2015. Collection method: clinical testing. Allele origin: germline. Affected: yes.
Comment: The variant is located in exon 30 of 42 of the TSC2 gene and leads to a shift in the reading frame and a premature stop codon. It has not yet been described in gnomAD, ClinVar or the literature. According to ClinVar, the majority of (likely) pathogenic TSC2 point mutations are truncating variants, many of which are located downstream of the variant detected here. Loss of function is therefore a typical pathomechanism. In summary, based on the current data, we believe this to be a pathogenic variant.